The following is an entry in ClinVar:

NM_000112.4(SLC26A2):c.836G>A (p.Arg279Gln)

Gene: SLC26A2 (solute carrier family 26 member 2; plus strand). Cytogenetic location: 5q32.
Variant type: single nucleotide variant.
Coding change: c.836G>A on transcript NM_000112.4 (MANE Select); coding-DNA position 836, G replaced by A.
Protein change: p.Arg279Gln; replaces arginine 279 with glutamine.
Molecular consequence: missense variant.
Genome position (GRCh38, 1-based): chr5:149,980,429, G>A. VCF-style: chr5-149980429-G-A. GRCh37 (hg19) VCF-style: chr5-149359992-G-A.
Other names: c.836G>A (NM_000112.3); short protein forms R279Q.
Identifiers: ClinVar variation 1161647 (VCV001161647.9), dbSNP rs114569184, ClinGen allele CA3505333.
Genomic context (GRCh38, chr5:149,980,429, plus strand): 5'-GTGCCTCCTTCACTATTCTTACATCTCAGGCCAAGTATCTTCTTGGGCTCAACCTTCCTC[G>A]GACTAATGGTGTGGGCTCACTCATCACTACCTGGATACATGTCTTCAGAAACATCCATAA-3'
Protein context (NP_000103.2, residues 269-289): AKYLLGLNLP[Arg279Gln]TNGVGSLITT

ClinVar aggregate classification (germline): Conflicting classifications of pathogenicity. Review status: criteria provided, conflicting classifications (1 of 4 stars). 3 submissions from 3 submitters: Uncertain significance (1); Likely benign (2). Last evaluated 2026-01-19.

Conditions:
Atelosteogenesis type II (AO2). Also called: SLC26A2-Related Atelosteogenesis; NEONATAL OSSEOUS DYSPLASIA I; Neonatal osseous dysplasia 1. Identifiers: Orphanet 56304, MedGen C1850554, MONDO:0009727, OMIM 256050.
Diastrophic dysplasia (DTD). Also called: Diastrophic dwarfism. Identifiers: Orphanet 628, MedGen C0220726, MONDO:0009107, OMIM 222600.
Multiple epiphyseal dysplasia type 4 (EDM4). Also called: MULTIPLE EPIPHYSEAL DYSPLASIA WITH BILAYERED PATELLAE; MULTIPLE EPIPHYSEAL DYSPLASIA WITH CLUBFOOT; MULTIPLE EPIPHYSEAL DYSPLASIA, AUTOSOMAL RECESSIVE; SLC26A2-Related Multiple Epiphyseal Dysplasia; Multiple Epiphyseal Dysplasia, Recessive. Identifiers: Orphanet 93307, MedGen C1847593, MONDO:0009189, OMIM 226900.
Achondrogenesis, type IB (ACG1B). Also called: Achondrogenesis Type 1B. Identifiers: Orphanet 932, Orphanet 93298, MedGen C0265274, MONDO:0010966, OMIM 600972.

Allele frequency attached by ClinVar (database versions not stated): gnomAD exomes 0.00007 and 0.00019; ExAC 0.00029; 1000 Genomes Project 30x 0.00062; gnomAD 0.00062 and 0.00069; TOPMed 0.00074; 1000 Genomes Project 0.00080; ESP Exome Variant Server 0.00115.

Submissions (3):

Labcorp Genetics (formerly Invitae), Labcorp
Classification: Likely benign for Atelosteogenesis type II; Multiple epiphyseal dysplasia type 4; Achondrogenesis, type IB; Diastrophic dysplasia. Last evaluated: 2026-01-19. Review status: criteria provided, single submitter. Criteria: Invitae Variant Classification Sherloc (09022015). Collection method: clinical testing. Allele origin: germline.

GeneDx
Classification: Uncertain significance. Last evaluated: 2024-09-26. Review status: criteria provided, single submitter. Criteria: GeneDx Variant Classification Process June 2021. Collection method: clinical testing. Allele origin: germline. Affected: yes.
Comment: In silico analysis supports that this missense variant has a deleterious effect on protein structure/function; Has not been previously published as pathogenic or benign to our knowledge

Breakthrough Genomics
Classification: Likely benign. Review status: criteria provided, single submitter. Criteria: ACMG Guidelines, 2015. Collection method: not provided. Allele origin: germline. Inheritance: Autosomal recessive inheritance. Affected: yes.